The following is an entry in ClinVar:

ClinVar aggregate classification (germline): Pathogenic (1 of 4 stars; one submission).

Conditions:
Congenital sideroblastic anemia-B-cell immunodeficiency-periodic fever-developmental delay syndrome. Also called: Sideroblastic anemia with B-cell immunodeficiency, periodic fevers, and developmental delay. Identifiers: Orphanet 369861, MedGen C4015172, MONDO:0014487, OMIM 616084.

Submission:

Labcorp Genetics (formerly Invitae), Labcorp
Classification: Pathogenic for Congenital sideroblastic anemia-B-cell immunodeficiency-periodic fever-developmental delay syndrome. Last evaluated: 2022-09-07. Review status: criteria provided, single submitter. Criteria: Invitae Variant Classification Sherloc (09022015). Collection method: clinical testing. Allele origin: germline.
Comment: For these reasons, this variant has been classified as Pathogenic. This variant has not been reported in the literature in individuals affected with TRNT1-related conditions. This variant is not present in population databases (gnomAD no frequency). This sequence change creates a premature translational stop signal (p.Leu324*) in the TRNT1 gene. It is expected to result in an absent or disrupted protein product. Loss-of-function variants in TRNT1 are known to be pathogenic (PMID: 25193871).

Literature cited by the submitters: PubMed 25193871.

NM_182916.3(TRNT1):c.971T>G (p.Leu324Ter)

Gene: TRNT1 (tRNA nucleotidyl transferase 1; plus strand). Cytogenetic location: 3p26.2.
Variant type: single nucleotide variant.
Coding change: c.971T>G on transcript NM_182916.3 (MANE Select); coding-DNA position 971, T replaced by G.
Protein change: p.Leu324Ter; replaces leucine 324 with a stop codon.
Molecular consequence: nonsense. On other transcripts: non-coding transcript variant (8).
Genome position (GRCh38, 1-based): chr3:3,147,618, T>G. VCF-style: chr3-3147618-T-G. GRCh37 (hg19) VCF-style: chr3-3189302-T-G.
Other names: c.911T>G, p.Leu304Ter (NM_001302946.2); c.971T>G, p.Leu324Ter (NM_001367321.1, NM_001367322.1, NM_001367323.1); short protein forms L304*, L324*.
Identifiers: ClinVar variation 2047879 (VCV002047879.4), dbSNP rs2471351358, ClinGen allele CA351447965.
Genomic context (GRCh38, chr3:3,147,618, plus strand): 5'-ATGATGTCACAAAATTGGATTTGAGGTTGAAGATCGCAAAAGAGGAGAAAAACCTTGGCT[T>G]ATTTATAGTTAAAAATAGGAAAGATTTAATTAAAGCAACAGATAGTTCAGACCCATTGAA-3'